The following is an entry in ClinVar:

ClinVar aggregate classification (germline): Uncertain significance (1 of 4 stars; one submission).

Allele frequency attached by ClinVar (database versions not stated): gnomAD exomes 0.00001.
gnomAD v4.1: 20 of 1,586,340 alleles (0.0013%); highest among the groups gnomAD compares: Non-Finnish European, 0.0017%; no homozygotes.

Submission:

GeneDx
Classification: Uncertain significance. Last evaluated: 2022-09-01. Review status: criteria provided, single submitter. Criteria: GeneDx Variant Classification Process June 2021. Collection method: clinical testing. Allele origin: germline. Affected: yes.
Comment: Not observed at significant frequency in large population cohorts (gnomAD); In silico analysis supports that this missense variant has a deleterious effect on protein structure/function; Has not been previously published as pathogenic or benign to our knowledge

NM_001349798.2(FBXW7):c.1651G>A (p.Gly551Ser)

Gene: FBXW7 (F-box and WD repeat domain containing 7; minus strand). Cytogenetic location: 4q31.3.
Variant type: single nucleotide variant.
Coding change: c.1651G>A on transcript NM_001349798.2 (MANE Select); coding-DNA position 1651, G replaced by A.
Protein change: p.Gly551Ser; replaces glycine 551 with serine.
Molecular consequence: missense variant.
Genome position (GRCh38, 1-based): chr4:152,324,388, C>T on the plus strand (G>A on the coding strand, the complement: FBXW7 is on the minus strand). VCF-style: chr4-152324388-C-T. GRCh37 (hg19) VCF-style: chr4-153245540-C-T.
Other names: c.1297G>A, p.Gly433Ser (NM_001013415.2); c.1411G>A, p.Gly471Ser (NM_018315.5); c.1651G>A, p.Gly551Ser (NM_033632.3); short protein forms G433S, G471S, G551S.
Identifiers: ClinVar variation 2442534 (VCV002442534.1), dbSNP rs1728814255, ClinGen allele CA358617831.